The following is an entry in ClinVar:

NM_213720.3(CHCHD10):c.274G>A (p.Ala92Thr)

Gene: CHCHD10 (coiled-coil-helix-coiled-coil-helix domain containing 10; minus strand). Cytogenetic location: 22q11.23.
Variant type: single nucleotide variant.
Coding change: c.274G>A on transcript NM_213720.3 (MANE Select); coding-DNA position 274, G replaced by A.
Protein change: p.Ala92Thr; replaces alanine 92 with threonine.
Molecular consequence: missense variant. On other transcripts: non-coding transcript variant (2).
Genome position (GRCh38, 1-based): chr22:23,766,263, C>T on the plus strand (G>A on the coding strand, the complement: CHCHD10 is on the minus strand). VCF-style: chr22-23766263-C-T. GRCh37 (hg19) VCF-style: chr22-24108450-C-T.
Other names: c.295G>A, p.Ala99Thr (NM_001301339.2); short protein forms A92T, A99T.
Identifiers: ClinVar variation 540611 (VCV000540611.8), dbSNP rs374353973, ClinGen allele CA10145271.

ClinVar aggregate classification (germline): Conflicting classifications of pathogenicity. Review status: criteria provided, conflicting classifications (1 of 4 stars). 2 submissions from 2 submitters: Uncertain significance (1); Likely benign (1). Last evaluated 2025-01-08.

Conditions:
Inborn genetic diseases. Identifiers: MedGen C0950123, MeSH D030342.
Autosomal dominant mitochondrial myopathy with exercise intolerance (IMMD). Also called: Myopathy, isolated mitochondrial, autosomal dominant. Identifiers: Orphanet 457050, MedGen C4015513, MONDO:0014532, OMIM 616209.
Lower motor neuron syndrome with late-adult onset (SMAJ). Also called: Spinal muscular atrophy, Jokela type; Late-Onset Spinal Motor Neuronopathy (SMAJ). Identifiers: Orphanet 276435, MedGen C3554398, MONDO:0014025, OMIM 615048.
Frontotemporal dementia and/or amyotrophic lateral sclerosis 2. Also called: FTDALS2. Identifiers: Orphanet 275872, MedGen C4014648, MONDO:0014395, OMIM 615911.

Allele frequency attached by ClinVar (database versions not stated): TOPMed 0.00003; gnomAD 0.00006 and 0.00007; ESP Exome Variant Server 0.00008.
gnomAD v4.1: 38 of 791,024 alleles (0.0048%); highest among the groups gnomAD compares: Admixed American, 0.007%; no homozygotes.

Submissions (2):

Labcorp Genetics (formerly Invitae), Labcorp
Classification: Uncertain significance for Lower motor neuron syndrome with late-adult onset; Frontotemporal dementia and/or amyotrophic lateral sclerosis 2; Autosomal dominant mitochondrial myopathy with exercise intolerance. Last evaluated: 2025-01-08. Review status: criteria provided, single submitter. Criteria: Invitae Variant Classification Sherloc (09022015). Collection method: clinical testing. Allele origin: germline.
Comment: This sequence change replaces alanine, which is neutral and non-polar, with threonine, which is neutral and polar, at codon 92 of the CHCHD10 protein (p.Ala92Thr). The frequency data for this variant in the population databases is considered unreliable, as metrics indicate poor data quality at this position in the gnomAD database. This missense change has been observed in individual(s) with amyotrophic lateral sclerosis (ALS) (PMID: 25726362). ClinVar contains an entry for this variant (Variation ID: 540611). An algorithm developed to predict the effect of missense changes on protein structure and function outputs the following: PolyPhen-2: "Benign". The threonine amino acid residue is found in multiple mammalian species, which suggests that this missense change does not adversely affect protein function. In summary, the available evidence is currently insufficient to determine the role of this variant in disease. Therefore, it has been classified as a Variant of Uncertain Significance.

Ambry Genetics
Classification: Likely benign for Inborn genetic diseases. Last evaluated: 2019-12-06. Review status: criteria provided, single submitter. Criteria: Ambry Variant Classification Scheme 2023. Collection method: clinical testing. Allele origin: germline.

Literature cited by the submitters: PubMed 25726362 (cited by Labcorp Genetics (formerly Invitae), Labcorp).